The following is an entry in ClinVar:

ClinVar aggregate classification (germline): Uncertain significance (1 of 4 stars; one submission).

Conditions:
Inborn genetic diseases. Identifiers: MedGen C0950123, MeSH D030342.

Submission:

Ambry Genetics
Classification: Uncertain significance for Inborn genetic diseases. Last evaluated: 2024-12-17. Review status: criteria provided, single submitter. Criteria: Ambry Variant Classification Scheme 2023. Collection method: clinical testing. Allele origin: germline.
Comment: The p.G283E variant (also known as c.848G>A), located in coding exon 5 of the RECQL4 gene, results from a G to A substitution at nucleotide position 848. The glycine at codon 283 is replaced by glutamic acid, an amino acid with similar properties. This amino acid position is conserved. In addition, this alteration is predicted to be tolerated by in silico analysis. Based on the available evidence, the clinical significance of this variant remains unclear.

NM_004260.4(RECQL4):c.848G>A (p.Gly283Glu)

Gene: RECQL4 (RecQ like helicase 4; minus strand). Cytogenetic location: 8q24.3.
Variant type: single nucleotide variant.
Coding change: c.848G>A on transcript NM_004260.4 (MANE Select); coding-DNA position 848, G replaced by A.
Protein change: p.Gly283Glu; replaces glycine 283 with glutamic acid.
Molecular consequence: missense variant. On other transcripts: 5 prime UTR variant (17), non-coding transcript variant (3).
Genome position (GRCh38, 1-based): chr8:144,516,271, C>T on the plus strand (G>A on the coding strand, the complement: RECQL4 is on the minus strand). VCF-style: chr8-144516271-C-T. GRCh37 (hg19) VCF-style: chr8-145741655-C-T.
Other names: c.848G>A, p.Gly283Glu (NM_001413017.1, NM_001413018.1, NM_001413019.1 and 4 more transcripts); c.-224G>A (NM_001413021.1, NM_001413022.1, NM_001413023.1 and 7 more transcripts); c.719G>A, p.Gly240Glu (NM_001413025.1); c.-286G>A (NM_001413027.1, NM_001413030.1, NM_001413031.1 and 2 more transcripts); c.497G>A, p.Gly166Glu (NM_001413029.1); c.-128G>A (NM_001413034.1); c.-493G>A (NM_001413043.1); short protein forms G240E, G283E, G166E.
Identifiers: ClinVar variation 3787947 (VCV003787947.1).